The following is an entry in ClinVar:

ClinVar aggregate classification (germline): Uncertain significance. Review status: criteria provided, multiple submitters, no conflicts (2 of 4 stars). 3 submissions from 3 submitters: Uncertain significance (3). Last evaluated 2025-12-03.

Conditions:
Developmental and epileptic encephalopathy, 30 (DEE30). Also called: Epileptic encephalopathy, early infantile, 30. Identifiers: MedGen C4225360, MONDO:0014595, OMIM 616341.

Allele frequency attached by ClinVar (database versions not stated): gnomAD exomes 0.00002; ExAC 0.00003; ESP Exome Variant Server 0.00008.

Submissions (3):

Women's Health and Genetics/Laboratory Corporation of America, LabCorp
Classification: Uncertain significance. Last evaluated: 2025-12-03. Review status: criteria provided, single submitter. Criteria: LabCorp Variant Classification Summary - May 2015. Collection method: clinical testing. Allele origin: germline.
Comment: Variant summary: SIK1 c.1210G>A (p.Glu404Lys) results in a conservative amino acid change in the encoded protein sequence. Algorithms developed to predict the effect of missense changes on protein structure and function are either unavailable or do not agree on the potential impact of this missense change. The variant allele was found at a frequency of 2.4e-05 in 249338 control chromosomes. The available data on variant occurrences in the general population are insufficient to allow any conclusion about variant significance. To our knowledge, no occurrence of c.1210G>A in individuals affected with SIK1-related conditions and no experimental evidence demonstrating its impact on protein function have been reported. ClinVar contains an entry for this variant (Variation ID: 285608). Based on the evidence outlined above, the variant was classified as uncertain significance.

Labcorp Genetics (formerly Invitae), Labcorp
Classification: Uncertain significance for Developmental and epileptic encephalopathy, 30. Last evaluated: 2023-07-25. Review status: criteria provided, single submitter. Criteria: Invitae Variant Classification Sherloc (09022015). Collection method: clinical testing. Allele origin: germline.
Comment: In summary, the available evidence is currently insufficient to determine the role of this variant in disease. Therefore, it has been classified as a Variant of Uncertain Significance. Advanced modeling of protein sequence and biophysical properties (such as structural, functional, and spatial information, amino acid conservation, physicochemical variation, residue mobility, and thermodynamic stability) performed at Invitae indicates that this missense variant is not expected to disrupt SIK1 protein function. ClinVar contains an entry for this variant (Variation ID: 285608). This variant has not been reported in the literature in individuals affected with SIK1-related conditions. This variant is present in population databases (rs150822645, gnomAD 0.007%). This sequence change replaces glutamic acid, which is acidic and polar, with lysine, which is basic and polar, at codon 404 of the SIK1 protein (p.Glu404Lys).

Eurofins Ntd Llc (ga)
Classification: Uncertain significance. Last evaluated: 2016-01-13. Review status: criteria provided, single submitter. Criteria: EGL Classification Definitions 2015. Collection method: clinical testing. Allele origin: germline. Observed: 1 variant allele, 1 heterozygote.

NM_173354.5(SIK1):c.1210G>A (p.Glu404Lys)

Gene: SIK1 (salt inducible kinase 1; minus strand). Cytogenetic location: 21q22.3.
Variant type: single nucleotide variant.
Coding change: c.1210G>A on transcript NM_173354.5 (MANE Select); coding-DNA position 1210, G replaced by A.
Protein change: p.Glu404Lys; replaces glutamic acid 404 with lysine.
Molecular consequence: missense variant.
Genome position (GRCh38, 1-based): chr21:43,419,388, C>T on the plus strand (G>A on the coding strand, the complement: SIK1 is on the minus strand). VCF-style: chr21-43419388-C-T. GRCh37 (hg19) VCF-style: chr21-44839268-C-T.
Other names: short protein forms E404K.
Identifiers: ClinVar variation 285608 (VCV000285608.12), dbSNP rs150822645, ClinGen allele CA10605176.